The following is an entry in ClinVar:

ClinVar aggregate classification (germline): Conflicting classifications of pathogenicity. Review status: criteria provided, conflicting classifications (1 of 4 stars). 6 submissions from 6 submitters: Uncertain significance (2); Benign (2); Likely benign (1). 1 of the submissions does not count toward it. Last evaluated 2026-04-06.

Conditions:
TUBA1A-related disorder. Also called: TUBA1A-related condition.
Lissencephaly due to TUBA1A mutation (CDCBM16). Also called: CORTICAL DYSPLASIA, COMPLEX, WITH OTHER BRAIN MALFORMATIONS 16; Lissencephaly 3. Identifiers: Orphanet 171680, MedGen C4305153, MONDO:0012703, OMIM 611603.

Allele frequency attached by ClinVar (database versions not stated): gnomAD exomes 0.00012 and 0.00006; ExAC 0.00018; TOPMed 0.00059; 1000 Genomes Project 0.00040; 1000 Genomes Project 30x 0.00047; gnomAD 0.00050 and 0.00053.
gnomAD v4.1: 158 of 1,614,124 alleles (0.0098%); highest among the groups gnomAD compares: African/African-American, 0.19%; 1 homozygote.

Submissions (6):

Women's Health and Genetics/Laboratory Corporation of America, LabCorp
Classification: Likely benign. Last evaluated: 2026-04-06. Review status: criteria provided, single submitter. Criteria: LabCorp Variant Classification Summary - May 2015. Collection method: clinical testing. Allele origin: germline.

Labcorp Genetics (formerly Invitae), Labcorp
Classification: Benign. Last evaluated: 2026-01-26. Review status: criteria provided, single submitter. Criteria: Invitae Variant Classification Sherloc (09022015). Collection method: clinical testing. Allele origin: germline.

GeneDx
Classification: Benign. Last evaluated: 2020-01-06. Review status: criteria provided, single submitter. Criteria: GeneDx Variant Classification Process June 2021. Collection method: clinical testing. Allele origin: germline. Affected: yes.

Eurofins Ntd Llc (ga)
Classification: Uncertain significance. Last evaluated: 2017-01-25. Review status: criteria provided, single submitter. Criteria: EGL Classification Definitions 2015. Collection method: clinical testing. Allele origin: germline. Observed: 1 variant allele, 1 heterozygote.

Genetic Services Laboratory, University of Chicago
Classification: Uncertain significance for Lissencephaly 3. Last evaluated: 2013-02-08. Review status: criteria provided, single submitter. Criteria: ACMG Guidelines, 2007. Collection method: clinical testing. Allele origin: germline. Inheritance: Autosomal dominant inheritance.

PreventionGenetics, part of Exact Sciences
Classification: Likely benign for TUBA1A-related condition. Last evaluated: 2019-07-11. Review status: no assertion criteria provided. Collection method: clinical testing. Allele origin: germline. Not counted in ClinVar's aggregate classification.
Comment: This variant is classified as likely benign based on ACMG/AMP sequence variant interpretation guidelines (Richards et al. 2015 PMID: 25741868, with internal and published modifications).

NM_006009.4(TUBA1A):c.4-7C>T

Gene: TUBA1A (tubulin alpha 1a; minus strand). Cytogenetic location: 12q13.12.
Variant type: single nucleotide variant.
Coding change: c.4-7C>T on transcript NM_006009.4 (MANE Select); 7 bases into the intron before coding-DNA position 4, C replaced by T.
Molecular consequence: intron variant.
Genome position (GRCh38, 1-based): chr12:49,186,840, G>A on the plus strand (C>T on the coding strand, the complement: TUBA1A is on the minus strand). VCF-style: chr12-49186840-G-A. GRCh37 (hg19) VCF-style: chr12-49580623-G-A.
Other names: c.-102-7C>T (NM_001270400.2); c.4-7C>T (NM_001270399.2).
Identifiers: ClinVar variation 160156 (VCV000160156.23), dbSNP rs560491477, ClinGen allele CA213268.
Genomic context (GRCh38, chr12:49,186,840, plus strand): 5'-GGCATTGCCAATCTGGACACCAGCCTGGCCAACGTGGATGGAGATGCACTCACGCTGTGG[G>A]GAGGAAAAGTGAAAAAATCGTAAAATTAAGGTGTATTAGCATTTCAAACTTATAGGAAAT-3'